The following is an entry in ClinVar:

ClinVar aggregate classification (germline): Uncertain significance (1 of 4 stars; one submission).

Conditions:
Hereditary cancer-predisposing syndrome. Also called: Neoplastic Syndromes, Hereditary; Tumor predisposition; Hereditary neoplastic syndrome; Hereditary Cancer Syndrome. Identifiers: Orphanet 140162, MedGen C0027672, MeSH D009386, MONDO:0015356.

gnomAD v4.1: 1 of 1,613,312 alleles (0.000062%); highest among the groups gnomAD compares: Non-Finnish European, 0.000085%; no homozygotes.

Submission:

Ambry Genetics
Classification: Uncertain significance for Hereditary cancer-predisposing syndrome. Last evaluated: 2026-07-06. Review status: criteria provided, single submitter. Criteria: Ambry Variant Classification Scheme 2023. Collection method: clinical testing. Allele origin: germline.
Comment: The p.S55I variant (also known as c.164G>T), located in coding exon 3 of the RAD51D gene, results from a G to T substitution at nucleotide position 164. The serine at codon 55 is replaced by isoleucine, an amino acid with dissimilar properties. This amino acid position is conserved. In addition, this alteration is predicted to be tolerated by in silico analysis. Based on the available evidence, the clinical significance of this variant remains unclear.

NM_002878.4(RAD51D):c.263+1483G>T

Genes: RAD51D (RAD51 paralog D; minus strand), RAD51L3-RFFL (RAD51L3-RFFL readthrough; minus strand). Cytogenetic location: 17q12.
Variant type: single nucleotide variant.
Coding change: c.263+1483G>T on transcript NM_002878.4 (MANE Select); 1483 bases into the intron after coding-DNA position 263, G replaced by T.
Molecular consequence: intron variant. On other transcripts: missense variant (1).
Genome position (GRCh38, 1-based): chr17:35,117,018, C>A on the plus strand (G>T on the coding strand, the complement: RAD51D is on the minus strand). VCF-style: chr17-35117018-C-A. GRCh37 (hg19) VCF-style: chr17-33444037-C-A.
Other names: c.164G>T, p.Ser55Ile (NM_001142571.2); c.144+2093G>T (NM_133629.3); short protein forms S55I.
Identifiers: ClinVar variation 5027822 (VCV005027822.1).